The following is an entry in ClinVar:

ClinVar aggregate classification (germline): Uncertain significance (1 of 4 stars; one submission).

Conditions:
KBG syndrome (KBGS). Also called: ANKRD11-Related KBG Syndrome. Identifiers: Orphanet 2332, MedGen C0220687, MONDO:0007846, OMIM 148050.

Submission:

Labcorp Genetics (formerly Invitae), Labcorp
Classification: Uncertain significance for KBG syndrome. Last evaluated: 2022-10-04. Review status: criteria provided, single submitter. Criteria: Invitae Variant Classification Sherloc (09022015). Collection method: clinical testing. Allele origin: germline.
Comment: In summary, the available evidence is currently insufficient to determine the role of this variant in disease. Therefore, it has been classified as a Variant of Uncertain Significance. Advanced modeling of protein sequence and biophysical properties (such as structural, functional, and spatial information, amino acid conservation, physicochemical variation, residue mobility, and thermodynamic stability) performed at Invitae indicates that this missense variant is not expected to disrupt ANKRD11 protein function. This variant has not been reported in the literature in individuals affected with ANKRD11-related conditions. This variant is not present in population databases (gnomAD no frequency). This sequence change replaces valine, which is neutral and non-polar, with aspartic acid, which is acidic and polar, at codon 1791 of the ANKRD11 protein (p.Val1791Asp).

NM_013275.6(ANKRD11):c.5372T>A (p.Val1791Asp)

Gene: ANKRD11 (ankyrin repeat domain 11; minus strand). Cytogenetic location: 16q24.3.
Variant type: single nucleotide variant.
Coding change: c.5372T>A on transcript NM_013275.6 (MANE Select); coding-DNA position 5372, T replaced by A.
Protein change: p.Val1791Asp; replaces valine 1791 with aspartic acid.
Molecular consequence: missense variant.
Genome position (GRCh38, 1-based): chr16:89,281,170, A>T on the plus strand (T>A on the coding strand, the complement: ANKRD11 is on the minus strand). VCF-style: chr16-89281170-A-T. GRCh37 (hg19) VCF-style: chr16-89347578-A-T.
Other names: c.5372T>A, p.Val1791Asp (NM_001256182.2, NM_001256183.2); short protein forms V1791D.
Identifiers: ClinVar variation 1720955 (VCV001720955.5), dbSNP rs2544228353, ClinGen allele CA397154504.